The following is an entry in ClinVar:

ClinVar aggregate classification (germline): Pathogenic (1 of 4 stars; one submission).

Conditions:
Tuberous sclerosis 2 (TSC2). Identifiers: Orphanet 805, MedGen C1860707, MONDO:0013199, OMIM 613254.

Submission:

Labcorp Genetics (formerly Invitae), Labcorp
Classification: Pathogenic for Tuberous sclerosis 2. Last evaluated: 2018-10-29. Review status: criteria provided, single submitter. Criteria: Invitae Variant Classification Sherloc (09022015). Collection method: clinical testing. Allele origin: germline.
Comment: This variant is an in-frame deletion of the genomic region encompassing exon 3 of the TSC2 gene. It preserves the integrity of the reading frame. A gross deletion of exon 3 has been reported to be de novo in an individual affected with tuberous sclerosis in the Leiden Open-source Variation Database (PMID: 21520333). Due to alternative exon numbering, a deletion of exon 3 may also be referred to as a deletion of exon 2.Â¬â€ ClinVar contains an entry for a deletion of exon 3 (Variation ID:Â¬â€ 467839). Experimental studies and prediction algorithms are not available for this variant, and the functional significance of the affected amino acid(s) is currently unknown. For these reasons, this variant has been classified as Pathogenic.

Literature cited by the submitters: PubMed 21520333.

NC_000016.10:g.(?_2050390)_(2050496_?)del

Gene: TSC2 (TSC complex subunit 2; plus strand). Cytogenetic location: 16p13.3.
Variant type: Deletion.
Identifiers: ClinVar variation 654660 (VCV000654660.1).